The following is an entry in ClinVar:

NM_001276345.2(TNNT2):c.587G>T (p.Gly196Val)

Gene: TNNT2 (troponin T2, cardiac type; minus strand). Cytogenetic location: 1q32.1.
Variant type: single nucleotide variant.
Coding change: c.587G>T on transcript NM_001276345.2 (MANE Select); coding-DNA position 587, G replaced by T.
Protein change: p.Gly196Val; replaces glycine 196 with valine.
Molecular consequence: missense variant.
Genome position (GRCh38, 1-based): chr1:201,363,309, C>A on the plus strand (G>T on the coding strand, the complement: TNNT2 is on the minus strand). VCF-style: chr1-201363309-C-A. GRCh37 (hg19) VCF-style: chr1-201332437-C-A.
Other names: c.587G>T, p.Gly196Val (NM_000364.4, NM_001406723.1); c.557G>T, p.Gly186Val (NM_001001430.3, NM_001001431.3, NM_001276347.2 and 3 more transcripts); c.542G>T, p.Gly181Val (NM_001001432.3, NM_001406728.1); c.467G>T, p.Gly156Val (NM_001276346.2); c.554G>T, p.Gly185Val (NM_001406725.1); short protein forms G156V, G181V, G185V, G186V, G196V.
Identifiers: ClinVar variation 3759024 (VCV003759024.2).

ClinVar aggregate classification (germline): Uncertain significance (1 of 4 stars; one submission).

Conditions:
Cardiomyopathy, familial restrictive, 3. Identifiers: Orphanet 75249, MedGen C2676271, MONDO:0012900, OMIM 612422.
Dilated cardiomyopathy 1D. Identifiers: Orphanet 154, Orphanet 54260, MedGen C1832243, MONDO:0011095, OMIM 601494.
Hypertrophic cardiomyopathy 2. Also called: TNNT2-Related Familial Hypertrophic Cardiomyopathy. Identifiers: MedGen C1861864, MONDO:0007266, OMIM 115195.

Submission:

Labcorp Genetics (formerly Invitae), Labcorp
Classification: Uncertain significance for Cardiomyopathy, familial restrictive, 3; Hypertrophic cardiomyopathy 2; Dilated cardiomyopathy 1D. Last evaluated: 2025-11-03. Review status: criteria provided, single submitter. Criteria: Invitae Variant Classification Sherloc (09022015). Collection method: clinical testing. Allele origin: germline.
Comment: This sequence change replaces glycine, which is neutral and non-polar, with valine, which is neutral and non-polar, at codon 186 of the TNNT2 protein (p.Gly186Val). This variant is not present in population databases (gnomAD no frequency). This missense change has been observed in individual(s) with dilated cardiomyopathy (PMID: 24037902). ClinVar contains an entry for this variant (Variation ID: 3759024). Invitae Evidence Modeling of protein sequence and biophysical properties (such as structural, functional, and spatial information, amino acid conservation, physicochemical variation, residue mobility, and thermodynamic stability) indicates that this missense variant is not expected to disrupt TNNT2 protein function with a negative predictive value of 80%. In summary, the available evidence is currently insufficient to determine the role of this variant in disease. Therefore, it has been classified as a Variant of Uncertain Significance.

Literature cited by the submitters: PubMed 24037902.